The following is an entry in ClinVar:

NM_000136.3(FANCC):c.489_490del (p.Asn164fs)

Gene: FANCC (FA complementation group C; minus strand). Cytogenetic location: 9q22.32.
Variant type: Microsatellite.
Coding change: c.489_490del on transcript NM_000136.3 (MANE Select); coding-DNA positions 489 to 490, 2 bases deleted (GA; older notation c.489_490delGA).
Protein change: p.Asn164fs; shifts the reading frame from asparagine 164.
Molecular consequence: frameshift variant.
Genome position (GRCh38, 1-based): chr9:95,171,110-95,171,111, TC deleted on the plus strand (GA on the coding strand, the reverse complement: FANCC is on the minus strand); deleting any 2 consecutive bases within chr9:95,171,110-95,171,116 gives the same sequence; the c. name uses the placement nearest the transcript's 3' end. VCF-style (leftmost placement, unchanged base first): chr9-95171109-TTC-T. GRCh37 (hg19) VCF-style: chr9-97933391-TTC-T.
Other names: c.489_490del (NM_000136.2); c.489_490del, p.Asn164fs (NM_001243743.2, NM_001243744.2); short protein forms N164fs.
Identifiers: ClinVar variation 216037 (VCV000216037.19), dbSNP rs730881708, ClinGen allele CA338142.

ClinVar aggregate classification (germline): Pathogenic/Likely pathogenic. Review status: criteria provided, multiple submitters, no conflicts (2 of 4 stars). 8 submissions from 8 submitters: Pathogenic (3); Likely pathogenic (3). 2 of the submissions do not count toward it. Last evaluated 2025-07-30.

Conditions:
Hereditary cancer-predisposing syndrome. Also called: Hereditary Cancer Syndrome; Hereditary neoplastic syndrome; Neoplastic Syndromes, Hereditary; Tumor predisposition. Identifiers: Orphanet 140162, MedGen C0027672, MeSH D009386, MONDO:0015356.
Fanconi anemia (FA). Also called: Fanconi's anemia. Identifiers: Orphanet 84, MedGen C0015625, MeSH D005199, MONDO:0019391.
Fanconi anemia complementation group C (FANCC). Also called: Fanconi anemia, group C; FANCC-Related Fanconi Anemia; FANCONI PANCYTOPENIA, TYPE 3; FACC. Identifiers: Orphanet 84, MedGen C3468041, MONDO:0009213, OMIM 227645.

Submissions (8):

Natera, Inc.
Classification: Likely pathogenic for Fanconi anemia. Last evaluated: 2025-07-30. Review status: criteria provided, single submitter. Criteria: Natera Variant Classification Schema (03/2026). Collection method: clinical testing. Allele origin: germline.
Comment: The c.489_490delGA variant in FANCC is a frameshift variant predicted to shift the reading frame beginning at codon 164 and leads to a stop codon 3 codons downstream. This variant is expected to result in nonsense mediated decay, truncation, or a dysfunctional protein product. This variant is rare in the general population with a frequency below the threshold expected for the associated phenotype(s). Given the available evidence, this variant is classified as Likely Pathogenic.

Fulgent Genetics
Classification: Likely pathogenic for Fanconi anemia complementation group C. Last evaluated: 2024-03-12. Review status: criteria provided, single submitter. Criteria: ACMG Guidelines, 2015. Collection method: clinical testing. Allele origin: germline.

Labcorp Genetics (formerly Invitae), Labcorp
Classification: Pathogenic for Fanconi anemia. Last evaluated: 2023-06-23. Review status: criteria provided, single submitter. Criteria: Invitae Variant Classification Sherloc (09022015). Collection method: clinical testing. Allele origin: germline.
Comment: For these reasons, this variant has been classified as Pathogenic. ClinVar contains an entry for this variant (Variation ID: 216037). This variant has not been reported in the literature in individuals affected with FANCC-related conditions. This variant is present in population databases (no rsID available, gnomAD 0.0009%). This sequence change creates a premature translational stop signal (p.Asn164Serfs*3) in the FANCC gene. It is expected to result in an absent or disrupted protein product. Loss-of-function variants in FANCC are known to be pathogenic (PMID: 17924555).

Women's Health and Genetics/Laboratory Corporation of America, LabCorp
Classification: Likely pathogenic for Fanconi anemia complementation group C. Last evaluated: 2021-08-08. Review status: criteria provided, single submitter. Criteria: LabCorp Variant Classification Summary - May 2015. Collection method: clinical testing. Allele origin: germline.
Comment: Variant summary: FANCC c.489_490delGA (p.Asn164SerfsX3) results in a premature termination codon, predicted to cause a truncation of the encoded protein or absence of the protein due to nonsense mediated decay, which are commonly known mechanisms for disease. Truncations downstream of this position have been classified as pathogenic by our laboratory. The variant allele was found at a frequency of 4e-06 in 251214 control chromosomes. To our knowledge, no occurrence of c.489_490delGA in individuals affected with Fanconi Anemia Group C and no experimental evidence demonstrating its impact on protein function have been reported. Four clinical diagnostic laboratories have submitted clinical-significance assessments for this variant to ClinVar after 2014 without evidence for independent evaluation. All laboratories classified the variant as pathogenic/likely pathogenic. Based on the evidence outlined above, the variant was classified as likely pathogenic.

Ambry Genetics
Classification: Pathogenic for Hereditary cancer-predisposing syndrome. Last evaluated: 2020-03-30. Review status: criteria provided, single submitter. Criteria: Ambry Variant Classification Scheme 2023. Collection method: clinical testing. Allele origin: germline.
Comment: The c.489_490delGA pathogenic mutation, located in coding exon 5 of the FANCC gene, results from a deletion of two nucleotides at nucleotide positions 489 to 490, causing a translational frameshift with a predicted alternate stop codon (p.N164Sfs*3). This alteration is expected to result in loss of function by premature protein truncation or nonsense-mediated mRNA decay. As such, this alteration is interpreted as a disease-causing mutation.

Baylor Genetics
Classification: Pathogenic for Fanconi anemia complementation group C. Review status: criteria provided, single submitter. Criteria: ACMG Guidelines, 2015. Collection method: clinical testing. Allele origin: germline.

Leiden Open Variation Database
Classification: Pathogenic for Fanconi anemia complementation group C. Last evaluated: 2020-02-28. Review status: no assertion criteria provided. Collection method: curation. Allele origin: germline. Affected: yes. Not counted in ClinVar's aggregate classification.
Comment: Curator: Arleen D. Auerbach. Submitter to LOVD: Arleen D. Auerbach.

Counsyl
Classification: Likely pathogenic for Fanconi anemia complementation group C. Last evaluated: 2015-10-15. Review status: no assertion criteria provided. Collection method: clinical testing. Allele origin: unknown. Not counted in ClinVar's aggregate classification.

Literature cited by the submitters: PubMed 17924555 (cited by Labcorp Genetics (formerly Invitae), Labcorp).